The following is an entry in ClinVar:

NM_001267550.2(TTN):c.61495C>T (p.Arg20499Ter)

Genes: TTN-AS1 (TTN antisense RNA 1; plus strand), TTN (titin; minus strand). Cytogenetic location: 2q31.2.
Variant type: single nucleotide variant.
Coding change: c.61495C>T on transcript NM_001267550.2 (MANE Select); coding-DNA position 61495, C replaced by T.
Protein change: p.Arg20499Ter; replaces arginine 20499 with a stop codon.
Molecular consequence: nonsense.
Genome position (GRCh38, 1-based): chr2:178,590,230, G>A on the plus strand (C>T on the coding strand, the complement: TTN is on the minus strand). VCF-style: chr2-178590230-G-A. GRCh37 (hg19) VCF-style: chr2-179454957-G-A.
Other names: c.56572C>T, p.Arg18858Ter (NM_001256850.1); c.34300C>T, p.Arg11434Ter (NM_003319.4); c.53791C>T, p.Arg17931Ter (NM_133378.4); c.34675C>T, p.Arg11559Ter (NM_133432.3); c.34876C>T, p.Arg11626Ter (NM_133437.4); c.61495C>T (LRG_391t1, NM_001267550.1); short protein forms R20499*, R11434*, R17931*, R11626*, R11559*, R18858*.
Identifiers: ClinVar variation 223377 (VCV000223377.19), dbSNP rs869312112, ClinGen allele CA353283.

ClinVar aggregate classification (germline): Pathogenic/Likely pathogenic. Review status: criteria provided, multiple submitters, no conflicts (2 of 4 stars). 6 submissions from 6 submitters: Pathogenic (4); Likely pathogenic (2). Last evaluated 2026-01-13.

Conditions:
Autosomal recessive limb-girdle muscular dystrophy type 2J (LGMDR10). Also called: Limb-girdle muscular dystrophy, type 2J; MUSCULAR DYSTROPHY, LIMB-GIRDLE, AUTOSOMAL RECESSIVE 10. Identifiers: Orphanet 140922, MedGen C1837342, MONDO:0012127, OMIM 608807.
Dilated cardiomyopathy 1G (CMD1G). Identifiers: Orphanet 154, MedGen C1858763, MONDO:0011400, OMIM 604145.
Cardiomyopathy (CMYO). Also called: Cardiomyopathies. Identifiers: Orphanet 167848, MedGen C0878544, MONDO:0004994, HP:0001638. Inheritance: Various modes of inheritance.
Primary dilated cardiomyopathy (DCM). Also called: Dilated Cardiomyopathy. Identifiers: Orphanet 217604, MedGen C0007193, MeSH D002311, MONDO:0005021, HP:0001644. Inheritance: Various modes of inheritance.
TTN-related disorder. Also called: TTN-related disorders; TTN-related condition; TTN-related disease.
Cardiovascular phenotype. Identifiers: MedGen CN230736.

Allele frequency attached by ClinVar (database versions not stated): gnomAD exomes below 0.00001.
gnomAD v4.1: 3 of 1,593,932 alleles (0.00019%); highest among the groups gnomAD compares: Non-Finnish European, 0.00017%; no homozygotes.

Submissions (6):

Labcorp Genetics (formerly Invitae), Labcorp
Classification: Pathogenic for Dilated cardiomyopathy 1G; Autosomal recessive limb-girdle muscular dystrophy type 2J. Last evaluated: 2026-01-13. Review status: criteria provided, single submitter. Criteria: Invitae Variant Classification Sherloc (09022015). Collection method: clinical testing. Allele origin: germline.
Comment: This sequence change creates a premature translational stop signal (p.Arg20499*) in the TTN gene. While this is not anticipated to result in nonsense mediated decay, it is expected to create a truncated TTN protein. This variant is not present in population databases (gnomAD no frequency). This premature translational stop signal has been observed in individuals with dilated cardiomyopathy (PMID: 22335739, 25589632, 27532257; internal data). This variant is also known as c.56572C>T, p.Arg18858X. ClinVar contains an entry for this variant (Variation ID: 223377). This variant is located in the A band of TTN (PMID: 25589632). Truncating variants in this region are significantly overrepresented in patients affected with dilated cardiomyopathy (PMID: 25589632). Truncating variants in this region have also been reported in individuals affected with autosomal recessive centronuclear myopathy (PMID: 23975875). For these reasons, this variant has been classified as Pathogenic.

Victorian Clinical Genetics Services, Murdoch Childrens Research Institute
Classification: Likely pathogenic for Dilated cardiomyopathy 1G. Last evaluated: 2024-10-16. Review status: criteria provided, single submitter. Criteria: ACMG Guidelines, 2015. Collection method: clinical testing. Allele origin: germline. Affected: yes.
Comment: This variant is classified as Likely pathogenic. Evidence in support of pathogenic classification: Variant is predicted to cause nonsense-mediated decay (NMD) and loss of protein (premature termination codon is located at least 54 nucleotides upstream of the final exon-exon junction); Variant is absent from gnomAD (both v2 and v3); This variant has moderate previous evidence of pathogenicity in unrelated individuals. This variant has been classified as likely pathogenic and pathogenic by clinical laboratories (ClinVar), and has been reported in the literature in at least four individuals with dilated cardiomyopathy (cardiodb, PMID: 22335739, 25589632); Other NMD-predicted variants comparable to the one identified in this case have strong previous evidence for pathogenicity (ClinVar). Additional information: This variant is heterozygous; This gene is associated with both recessive and dominant disease (OMIM); No published segregation evidence has been identified for this variant; No published functional evidence has been identified for this variant; Variant is located in the annotated C-terminal A-band and the exon has a PSI score of 100 (PMID: 25589632); Loss of function is known mechanism of disease in this gene. In addition, dominant-negative is also a suggested mechanism (PMID: 25589632); The condition associated with this gene has incomplete penetrance. Variants in this gene that result in a premature truncating codon (PTC) are known to have reduced penetrance in DCM (PMID: 25589632); Inheritance information for this variant is not currently available in this individual.

Blueprint Genetics
Classification: Pathogenic for TTN-related disorders. Last evaluated: 2023-06-16. Review status: criteria provided, single submitter. Criteria: ACMG Guidelines, 2015. Collection method: clinical testing. Allele origin: germline. Affected: yes. Observed: 5 variant alleles.

CHEO Genetics Diagnostic Laboratory, Children's Hospital of Eastern Ontario
Classification: Pathogenic for Cardiomyopathy. Last evaluated: 2023-04-12. Review status: criteria provided, single submitter. Criteria: ACMG Guidelines, 2015. Collection method: clinical testing. Allele origin: germline.

Ambry Genetics
Classification: Pathogenic for Cardiovascular phenotype. Last evaluated: 2023-03-20. Review status: criteria provided, single submitter. Criteria: Ambry Variant Classification Scheme 2023. Collection method: clinical testing. Allele origin: germline.
Comment: The p.R11434* pathogenic mutation (also known as c.34300C>T), located in coding exon 131 of the TTN gene, results from a C to T substitution at nucleotide position 34300. This changes the amino acid from an arginine to a stop codon within coding exon 131. This exon is located in the A-band region of the N2-B isoform of the titin protein and is constitutively expressed in TTN transcripts (percent spliced in or PSI 100%). This variant (also described as NM_001256850.1:c.56572C>T, p.R18858X and NM_001267550.1:c.61495C>T, p.R20499X) has been detected in individuals reported to have dilated cardiomyopathy (DCM) and in clinical and genetic DCM testing cohorts (Herman DS et al. N Engl J Med, 2012 Feb;366:619-28; Roberts AM et al. Sci Transl Med. 2015 Jan;7(270):270ra6; Walsh R et al. Genet Med, 2017 02;19:192-203; Ambry internal data). This variant is considered to be rare based on population cohorts in the Genome Aggregation Database (gnomAD). This alteration is expected to result in loss of function by premature protein truncation or nonsense-mediated mRNA decay. While truncating variants in TTN are present in 1-3% of the general population, truncating variants in the A-band are the most common cause of DCM (Herman DS et al. N. Engl. J. Med., 2012 Feb;366:619-28; Roberts AM et al. Sci Transl Med, 2015 Jan;7:270ra6). TTN truncating variants encoded in constitutive exons (PSI >90%) have been found to be significantly associated with DCM regardless of their position in titin (Schafer S et al. Nat. Genet., 2017 01;49:46-53). Based on the supporting evidence, this alteration is interpreted as a disease-causing mutation.

Cardiovascular Biomedical Research Unit, Royal Brompton & Harefield NHS Foundation Trust
Classification: Likely pathogenic for Primary dilated cardiomyopathy. Last evaluated: 2014-10-08. Review status: criteria provided, single submitter. Criteria: Roberts et al. 2015. Collection method: research. Allele origin: germline. Inheritance: Autosomal dominant inheritance. Affected: yes. Observed: 1 variant allele. Study: Familial DCM.
Comment: In the seven cohorts assessed, TTNtv were found in 14% of ambulant DCM, 22% end-stage or familial DCM, and 2% controls. Heterozygous nonsense, frameshift and canonical splice-disrupting variants found in constitutive and other highly utilised exons are highly likely to be pathogenic when identified in individuals with phenotypically confirmed DCM. TTNtv found incidentally in healthy individuals (excluding familial assessment of DCM relatives) are thought to have low penetrance, particularly when identified in exons that are not constitutively expressed in the heart.

Literature cited by the submitters: PubMed 22335739 (cited by 3 submitters); PubMed 25589632 (cited by 3 submitters); PubMed 27532257 (cited by Labcorp Genetics (formerly Invitae), Labcorp and Ambry Genetics); PubMed 23975875 (cited by Labcorp Genetics (formerly Invitae), Labcorp).